The following is an entry in ClinVar:

ClinVar aggregate classification (germline): Likely benign (0 of 4 stars; one submission).

Conditions:
OGDHL-related disorder. Also called: OGDHL-related condition.

Allele frequency attached by ClinVar (database versions not stated): gnomAD exomes 0.00013; ExAC 0.00036; 1000 Genomes Project 30x 0.00094; ESP Exome Variant Server 0.00100; 1000 Genomes Project 0.00120; gnomAD 0.00121; TOPMed 0.00134.

Submission:

PreventionGenetics, part of Exact Sciences
Classification: Likely benign for OGDHL-related condition. Last evaluated: 2019-03-18. Review status: no assertion criteria provided. Collection method: clinical testing. Allele origin: germline.
Comment: This variant is classified as likely benign based on ACMG/AMP sequence variant interpretation guidelines (Richards et al. 2015 PMID: 25741868, with internal and published modifications).

NM_018245.3(OGDHL):c.1297-4G>A

Gene: OGDHL (oxoglutarate dehydrogenase L; minus strand). Cytogenetic location: 10q11.23.
Variant type: single nucleotide variant.
Coding change: c.1297-4G>A on transcript NM_018245.3 (MANE Select); 4 bases into the intron before coding-DNA position 1297, G replaced by A.
Molecular consequence: intron variant.
Genome position (GRCh38, 1-based): chr10:49,745,981, C>T on the plus strand (G>A on the coding strand, the complement: OGDHL is on the minus strand). VCF-style: chr10-49745981-C-T. GRCh37 (hg19) VCF-style: chr10-50954027-C-T.
Other names: c.670-4G>A (NM_001347822.1, NM_001143997.2, NM_001347821.2); c.1126-4G>A (NM_001347820.1, NM_001143996.2); c.280-485G>A (NM_001347826.1); c.1297-485G>A (NM_001347823.1, NM_001347824.2); c.670-485G>A (NM_001347825.2); c.1297-4G>A (NM_001347819.1).
Identifiers: ClinVar variation 3047411 (VCV003047411.2), dbSNP rs145458148, ClinGen allele CA5498600.